The following is an entry in ClinVar:

NM_016579.4(CD320):c.178C>T (p.Gln60Ter)

Gene: CD320 (CD320 molecule; minus strand). Cytogenetic location: 19p13.2.
Variant type: single nucleotide variant.
Coding change: c.178C>T on transcript NM_016579.4 (MANE Select); coding-DNA position 178, C replaced by T.
Protein change: p.Gln60Ter; replaces glutamine 60 with a stop codon.
Molecular consequence: nonsense. On other transcripts: intron variant (1).
Genome position (GRCh38, 1-based): chr19:8,305,121, G>A on the plus strand (C>T on the coding strand, the complement: CD320 is on the minus strand). VCF-style: chr19-8305121-G-A. GRCh37 (hg19) VCF-style: chr19-8370005-G-A.
Other names: c.143-1033C>T (NM_001165895.2); short protein forms Q60*.
Identifiers: ClinVar variation 1475517 (VCV001475517.6), dbSNP rs1281977713, ClinGen allele CA403715597.

ClinVar aggregate classification (germline): Uncertain significance (1 of 4 stars; one submission).

Conditions:
Methylmalonic acidemia due to transcobalamin receptor defect (MATR). Also called: METHYLMALONIC ACIDURIA, TRANSIENT, DUE TO TRANSCOBALAMIN RECEPTOR DEFECT; METHYLMALONIC ACIDEMIA, TCblR TYPE. Identifiers: Orphanet 280183, MedGen C4749905, MONDO:0013341, OMIM 613646.

Allele frequency attached by ClinVar (database versions not stated): gnomAD exomes below 0.00001; TOPMed 0.00002.

Submission:

Labcorp Genetics (formerly Invitae), Labcorp
Classification: Uncertain significance for Methylmalonic acidemia due to transcobalamin receptor defect. Last evaluated: 2025-02-13. Review status: criteria provided, single submitter. Criteria: Invitae Variant Classification Sherloc (09022015). Collection method: clinical testing. Allele origin: germline.
Comment: This sequence change creates a premature translational stop signal (p.Gln60*) in the CD320 gene. It is expected to result in an absent or disrupted protein product. However, the current clinical and genetic evidence is not sufficient to establish whether loss-of-function variants in CD320 cause disease. This variant is not present in population databases (gnomAD no frequency). This variant has not been reported in the literature in individuals affected with CD320-related conditions. ClinVar contains an entry for this variant (Variation ID: 1475517). Algorithms developed to predict the effect of sequence changes on RNA splicing suggest that this variant may disrupt the consensus splice site. In summary, the available evidence is currently insufficient to determine the role of this variant in disease. Therefore, it has been classified as a Variant of Uncertain Significance.